The following is an entry in ClinVar:

ClinVar aggregate classification (germline): Uncertain significance. Review status: criteria provided, multiple submitters, no conflicts (2 of 4 stars). 2 submissions from 2 submitters: Uncertain significance (2). Last evaluated 2020-09-16.

Conditions:
Cardiovascular phenotype. Identifiers: MedGen CN230736.

Allele frequency attached by ClinVar (database versions not stated): gnomAD exomes below 0.00001; TOPMed below 0.00001; gnomAD 0.00001.
gnomAD v4.1: 6 of 1,612,632 alleles (0.00037%); highest among the groups gnomAD compares: African/African-American, 0.0027%; no homozygotes.

Submissions (2):

Ambry Genetics
Classification: Uncertain significance for Cardiovascular phenotype. Last evaluated: 2020-09-16. Review status: criteria provided, single submitter. Criteria: Ambry Variant Classification Scheme 2023. Collection method: clinical testing. Allele origin: germline.
Comment: The p.I11864T variant (also known as c.35591T>C), located in coding exon 131 of the TTN gene, results from a T to C substitution at nucleotide position 35591. The isoleucine at codon 11864 is replaced by threonine, an amino acid with similar properties. This variant was detected in a cardiomyopathy genetic testing cohort; however, clinical details were limited, and additional cardiac variants were detected in some cases. (van Lint FHM et al. Neth Heart J, 2019 Jun;27:304-309). This amino acid position is well conserved in available vertebrate species. In addition, this alteration is predicted to be tolerated by in silico analysis. Since supporting evidence is limited at this time, the clinical significance of this alteration remains unclear.

GeneDx
Classification: Uncertain significance. Last evaluated: 2013-04-17. Review status: criteria provided, single submitter. Criteria: GeneDx Variant Classification (06012015). Collection method: clinical testing. Allele origin: germline. Affected: yes.
Comment: Missense variants in the TTN gene are considered 'unclassified' if they are not previously reported in the literature and do not have >1% frequency in the population to be considered a polymorphism. Research indicates that truncating mutations in the TTN gene are expected to account for approximately 25% of familial and 18% of sporadic idiopathic DCM; however, truncating variants in the TTN gene have been reported in approximately 3% of reported control alleles. There has been little investigation into non-truncating variants. (Herman D et al. Truncations of titin causing dilated cardiomyopathy. N Eng J Med 366:619-628, 2012) The variant is found in DCM panel(s).

Literature cited by the submitters: PubMed 30847666 (cited by Ambry Genetics).

NM_001267550.2(TTN):c.62786T>C (p.Ile20929Thr)

Genes: TTN-AS1 (TTN antisense RNA 1; plus strand), TTN (titin; minus strand). Cytogenetic location: 2q31.2.
Variant type: single nucleotide variant.
Coding change: c.62786T>C on transcript NM_001267550.2 (MANE Select); coding-DNA position 62786, T replaced by C.
Protein change: p.Ile20929Thr; replaces isoleucine 20929 with threonine.
Molecular consequence: missense variant.
Genome position (GRCh38, 1-based): chr2:178,588,939, A>G on the plus strand (T>C on the coding strand, the complement: TTN is on the minus strand). VCF-style: chr2-178588939-A-G. GRCh37 (hg19) VCF-style: chr2-179453666-A-G.
Other names: p.I19288T:ATA>ACA; c.57863T>C, p.Ile19288Thr (NM_001256850.1); c.35591T>C, p.Ile11864Thr (NM_003319.4); c.55082T>C, p.Ile18361Thr (NM_133378.4); c.35966T>C, p.Ile11989Thr (NM_133432.3); c.36167T>C, p.Ile12056Thr (NM_133437.4); short protein forms I19288T, I20929T, I11864T, I12056T, I11989T, I18361T.
Identifiers: ClinVar variation 202765 (VCV000202765.6), dbSNP rs794729471, ClinGen allele CA310215.